The following is an entry in ClinVar:

ClinVar aggregate classification (germline): Uncertain significance (1 of 4 stars; one submission).

Conditions:
Generalized epilepsy with febrile seizures plus, type 7 (GEFSP7). Also called: GEFS+, TYPE 7. Identifiers: Orphanet 36387, MedGen C2751778, MONDO:0013470, OMIM 613863.
Neuropathy, hereditary sensory and autonomic, type 2A (HSAN2A). Also called: WNK1-Related HSAN2 (HSAN2A); HSAN IIA; MORVAN DISEASE; NEUROPATHY, CONGENITAL SENSORY; NEUROPATHY, HEREDITARY SENSORY RADICULAR, AUTOSOMAL RECESSIVE; NEUROPATHY, HEREDITARY SENSORY, TYPE IIA. Identifiers: Orphanet 970, MedGen C2752089, MONDO:0024309, OMIM 201300.

Allele frequency attached by ClinVar (database versions not stated): ExAC 0.00001; gnomAD 0.00001; 1000 Genomes Project 30x 0.00016; 1000 Genomes Project 0.00020.
gnomAD v4.1: 2 of 1,613,634 alleles (0.00012%); highest among the groups gnomAD compares: East Asian, 0.0045%; no homozygotes.

Submission:

Labcorp Genetics (formerly Invitae), Labcorp
Classification: Uncertain significance for Neuropathy, hereditary sensory and autonomic, type 2A; Generalized epilepsy with febrile seizures plus, type 7. Last evaluated: 2022-11-15. Review status: criteria provided, single submitter. Criteria: Invitae Variant Classification Sherloc (09022015). Collection method: clinical testing. Allele origin: germline.
Comment: This sequence change replaces aspartic acid, which is acidic and polar, with glycine, which is neutral and non-polar, at codon 1586 of the SCN9A protein (p.Asp1586Gly). This variant is present in population databases (rs201783312, gnomAD 0.006%). This variant has not been reported in the literature in individuals affected with SCN9A-related conditions. ClinVar contains an entry for this variant (Variation ID: 1399971). Advanced modeling of protein sequence and biophysical properties (such as structural, functional, and spatial information, amino acid conservation, physicochemical variation, residue mobility, and thermodynamic stability) performed at Invitae indicates that this missense variant is not expected to disrupt SCN9A protein function. In summary, the available evidence is currently insufficient to determine the role of this variant in disease. Therefore, it has been classified as a Variant of Uncertain Significance.

NM_001365536.1(SCN9A):c.4790A>G (p.Asp1597Gly)

Genes: SCN9A (sodium voltage-gated channel alpha subunit 9; minus strand), SCN1A-AS1 (SCN1A and SCN9A antisense RNA 1; plus strand). Cytogenetic location: 2q24.3.
Variant type: single nucleotide variant.
Coding change: c.4790A>G on transcript NM_001365536.1 (MANE Select); coding-DNA position 4790, A replaced by G.
Protein change: p.Asp1597Gly; replaces aspartic acid 1597 with glycine.
Molecular consequence: missense variant.
Genome position (GRCh38, 1-based): chr2:166,199,849, T>C on the plus strand (A>G on the coding strand, the complement: SCN9A is on the minus strand). VCF-style: chr2-166199849-T-C. GRCh37 (hg19) VCF-style: chr2-167056359-T-C.
Other names: c.4757A>G, p.Asp1586Gly (NM_002977.4); short protein forms D1597G, D1586G.
Identifiers: ClinVar variation 1399971 (VCV001399971.6), dbSNP rs201783312, ClinGen allele CA1943775.